The following is an entry in ClinVar:

NM_000313.4(PROS1):c.1265A>G (p.Glu422Gly)

Gene: PROS1 (protein S; minus strand). Cytogenetic location: 3q11.1.
Variant type: single nucleotide variant.
Coding change: c.1265A>G on transcript NM_000313.4 (MANE Select); coding-DNA position 1265, A replaced by G.
Protein change: p.Glu422Gly; replaces glutamic acid 422 with glycine.
Molecular consequence: missense variant.
Genome position (GRCh38, 1-based): chr3:93,886,394, T>C on the plus strand (A>G on the coding strand, the complement: PROS1 is on the minus strand). VCF-style: chr3-93886394-T-C. GRCh37 (hg19) VCF-style: chr3-93605238-T-C.
Other names: c.1361A>G, p.Glu454Gly (NM_001314077.2); short protein forms E422G, E454G.
Identifiers: ClinVar variation 2068579 (VCV002068579.4), dbSNP rs2472117680, ClinGen allele CA353669605.

ClinVar aggregate classification (germline): Uncertain significance (1 of 4 stars; one submission).

Conditions:
Thrombophilia due to protein S deficiency, autosomal recessive (THPH6). Identifiers: Orphanet 743, MedGen C3281092, MONDO:0013791, OMIM 614514. Disease mechanism: loss of function.

Submission:

Labcorp Genetics (formerly Invitae), Labcorp
Classification: Uncertain significance for Thrombophilia due to protein S deficiency, autosomal recessive. Last evaluated: 2022-01-01. Review status: criteria provided, single submitter. Criteria: Invitae Variant Classification Sherloc (09022015). Collection method: clinical testing. Allele origin: germline.
Comment: In summary, the available evidence is currently insufficient to determine the role of this variant in disease. Therefore, it has been classified as a Variant of Uncertain Significance. Algorithms developed to predict the effect of missense changes on protein structure and function are either unavailable or do not agree on the potential impact of this missense change (SIFT: "Deleterious"; PolyPhen-2: "Probably Damaging"; Align-GVGD: "Class C15"). This variant has not been reported in the literature in individuals affected with PROS1-related conditions. This variant is not present in population databases (gnomAD no frequency). This sequence change replaces glutamic acid, which is acidic and polar, with glycine, which is neutral and non-polar, at codon 422 of the PROS1 protein (p.Glu422Gly).